The following is an entry in ClinVar:

ClinVar aggregate classification (germline): Uncertain significance (1 of 4 stars; one submission).

Conditions:
Nemaline myopathy 2 (NEM2). Also called: Nemaline myopathy 2, autosomal recessive. Identifiers: MedGen C1850569, MONDO:0009725, OMIM 256030.

Allele frequency attached by ClinVar (database versions not stated): gnomAD exomes below 0.00001; TOPMed below 0.00001.
gnomAD v4.1: 1 of 1,579,330 alleles (0.000063%); highest among the groups gnomAD compares: Admixed American, 0.0018%; no homozygotes.

Submission:

Labcorp Genetics (formerly Invitae), Labcorp
Classification: Uncertain significance for Nemaline myopathy 2. Last evaluated: 2022-01-26. Review status: criteria provided, single submitter. Criteria: Invitae Variant Classification Sherloc (09022015). Collection method: clinical testing. Allele origin: germline.
Comment: This sequence change replaces glutamine, which is neutral and polar, with histidine, which is basic and polar, at codon 8254 of the NEB protein (p.Gln8254His). This variant is present in population databases (no rsID available, gnomAD 0.004%). This variant has not been reported in the literature in individuals affected with NEB-related conditions. Algorithms developed to predict the effect of missense changes on protein structure and function are either unavailable or do not agree on the potential impact of this missense change (SIFT: "Deleterious"; PolyPhen-2: "Not Available"; Align-GVGD: "Class C0"). In summary, the available evidence is currently insufficient to determine the role of this variant in disease. Therefore, it has been classified as a Variant of Uncertain Significance.

NM_001164508.2(NEB):c.24657A>C (p.Gln8219His)

Genes: NEB (nebulin; minus strand), RIF1 (replication timing regulatory factor 1; plus strand). Cytogenetic location: 2q23.3.
Variant type: single nucleotide variant.
Coding change: c.24657A>C on transcript NM_001164508.2 (MANE Select); coding-DNA position 24657, A replaced by C.
Protein change: p.Gln8219His; replaces glutamine 8219 with histidine.
Molecular consequence: missense variant.
Genome position (GRCh38, 1-based): chr2:151,493,790, T>G on the plus strand (A>C on the coding strand, the complement: NEB is on the minus strand). VCF-style: chr2-151493790-T-G. GRCh37 (hg19) VCF-style: chr2-152350304-T-G.
Other names: c.24657A>C, p.Gln8219His (NM_001164507.2); c.24762A>C, p.Gln8254His (NM_001271208.2); c.19089A>C, p.Gln6363His (NM_004543.5); short protein forms Q6363H, Q8254H, Q8219H.
Identifiers: ClinVar variation 1912690 (VCV001912690.2), dbSNP rs1477460315, ClinGen allele CA348775286.